The following is an entry in ClinVar:

ClinVar aggregate classification (germline): Uncertain significance (1 of 4 stars; one submission).

Submission:

Labcorp Genetics (formerly Invitae), Labcorp
Classification: Uncertain significance. Last evaluated: 2022-10-17. Review status: criteria provided, single submitter. Criteria: Invitae Variant Classification Sherloc (09022015). Collection method: clinical testing. Allele origin: germline.
Comment: This variant, c.954_955delinsTT, is a complex sequence change that results in the deletion of 1 and insertion of 1 amino acid(s) in the KIZ protein (p.Pro319Ser). Information on the frequency of this variant in the gnomAD database is not available, as this variant may be reported differently in the database. This variant has not been reported in the literature in individuals affected with KIZ-related conditions. ClinVar contains an entry for this variant (Variation ID: 1051952). Experimental studies and prediction algorithms are not available or were not evaluated, and the functional significance of this variant is currently unknown. In summary, the available evidence is currently insufficient to determine the role of this variant in disease. Therefore, it has been classified as a Variant of Uncertain Significance.

NM_018474.6(KIZ):c.954_955delinsTT (p.Pro319Ser)

Gene: KIZ (kizuna centrosomal protein; plus strand). Cytogenetic location: 20p11.23.
Variant type: Indel.
Coding change: c.954_955delinsTT on transcript NM_018474.6 (MANE Select); coding-DNA positions 954 to 955, GC replaced by TT.
Protein change: p.Pro319Ser; replaces proline 319 with serine.
Molecular consequence: missense variant.
Genome position (GRCh38, 1-based): chr20:21,162,419-21,162,420, GC replaced by TT. VCF-style: chr20-21162419-GC-TT. GRCh37 (hg19) VCF-style: chr20-21143060-GC-TT.
Other names: c.645_646delinsTT, p.Pro216Ser (NM_001163022.3, NM_001352435.2); c.555_556delinsTT, p.Pro186Ser (NM_001163023.3); c.807_808delinsTT, p.Pro270Ser (NM_001276389.2); c.954_955delinsTT, p.Pro319Ser (NM_001352434.2); c.612_613delinsTT, p.Pro205Ser (NM_001352436.2); short protein forms P186S, P205S, P216S, P270S, P319S.
Identifiers: ClinVar variation 1051952 (VCV001051952.4), dbSNP rs2122695028, ClinGen allele CA2499225690.